The following is an entry in ClinVar:

ClinVar aggregate classification (germline): Likely pathogenic (1 of 4 stars; one submission).

Conditions:
Xanthinuria type II. Also called: Xanthine dehydrogenase and aldehyde oxidase combined deficiency of; XDH and AOX dual deficiency. Identifiers: Orphanet 3467, Orphanet 93602, MedGen C1863688, MONDO:0011346, OMIM 603592.

Submission:

Department of Nephrology, The First Affiliated Hospital of Xiamen University
Classification: Likely pathogenic for Xanthinuria type II. Review status: criteria provided, single submitter. Criteria: ACMG Guidelines, 2015. Collection method: provider interpretation. Allele origin: germline. Inheritance: Autosomal recessive inheritance. Affected: yes. Observed: 1 variant allele, 1 compound heterozygote.
Comment: The MOCOS c.1927_1928del (p.Leu643Alafs20) variant is a frameshift variant predicted to result in premature protein truncation. This variant has an extremely low allele frequency (0.00001768) in gnomAD v2.1.1. According to ACMG 2015 guidelines, this variant is classified as Likely Pathogenic (PVS1, PM2_Supporting).

NM_017947.4(MOCOS):c.1927_1928del (p.Leu643fs)

Gene: MOCOS (molybdenum cofactor sulfurase; plus strand). Cytogenetic location: 18q12.2.
Variant type: Deletion.
Coding change: c.1927_1928del on transcript NM_017947.4 (MANE Select); coding-DNA positions 1927 to 1928, 2 bases deleted (TT; older notation c.1927_1928delTT).
Protein change: p.Leu643fs; shifts the reading frame from leucine 643.
Molecular consequence: frameshift variant.
Genome position (GRCh38, 1-based): chr18:36,220,184-36,220,185, TT deleted. VCF-style (leftmost placement, unchanged base first): chr18-36220183-CTT-C. GRCh37 (hg19) VCF-style: chr18-33800146-CTT-C.
Other names: short protein forms L643fs.
Identifiers: ClinVar variation 4975018 (VCV004975018.1).